The following is an entry in ClinVar:

ClinVar aggregate classification (germline): Benign/Likely benign. Review status: criteria provided, multiple submitters, no conflicts (2 of 4 stars). 2 submissions from 2 submitters: Benign (1); Likely benign (1). Last evaluated 2024-05-01.

Allele frequency attached by ClinVar (database versions not stated): gnomAD 0.00005; gnomAD exomes 0.00005; TOPMed 0.00002.
gnomAD v4.1: 56 of 1,207,089 alleles (0.0046%); highest among the groups gnomAD compares: Non-Finnish European, 0.0056%; no homozygotes.

Submissions (2):

CeGaT Center for Human Genetics Tuebingen
Classification: Likely benign. Last evaluated: 2024-05-01. Review status: criteria provided, single submitter. Criteria: CeGaT Center For Human Genetics Tuebingen Variant Classification Criteria Version 2. Collection method: clinical testing. Allele origin: germline. Affected: yes. Observed: 1 variant allele.
Comment: MID1: BP4, BP7

Labcorp Genetics (formerly Invitae), Labcorp
Classification: Benign. Last evaluated: 2023-12-25. Review status: criteria provided, single submitter. Criteria: Invitae Variant Classification Sherloc (09022015). Collection method: clinical testing. Allele origin: germline.

NM_000381.4(MID1):c.784T>C (p.Leu262=)

Gene: MID1 (midline 1; minus strand). Cytogenetic location: Xp22.2.
Variant type: single nucleotide variant.
Coding change: c.784T>C on transcript NM_000381.4 (MANE Select); coding-DNA position 784, T replaced by C.
Protein change: p.Leu262=; no amino-acid change (leucine 262 retained).
Molecular consequence: synonymous variant.
Genome position (GRCh38, 1-based): chrX:10,495,664, A>G on the plus strand (T>C on the coding strand, the complement: MID1 is on the minus strand). VCF-style: chrX-10495664-A-G. GRCh37 (hg19) VCF-style: chrX-10463704-A-G.
Other names: c.784T>C, p.Leu262= (NM_033290.4, NM_001098624.2, NM_001193277.1 and 2 more transcripts); c.937T>C, p.Leu313= (NM_001193278.1); c.670T>C, p.Leu224= (NM_001193280.1, NM_033289.2).
Identifiers: ClinVar variation 2965310 (VCV002965310.22), dbSNP rs753840317, ClinGen allele CA326623286.
Genomic context (GRCh38, chrX:10,495,664, plus strand): 5'-TTCCAATAATCTGTCGTCTTTGCTGAATGATCTCAATGAGAAGATCACACTCCTCTGTCA[A>G]TTTGGCTTCTTGACGTGATGCATTGACCTACAGGATAAGTACAATGGTAAGTGTTAATTT-3'
Protein context (NP_000372.1, residues 252-272): EVNASRQEAK[Leu262=]TEECDLLIEI